The following is an entry in ClinVar:

NM_001374736.1(DST):c.3064_3066dup (p.Phe1022dup)

Gene: DST (dystonin; minus strand). Cytogenetic location: 6p12.1.
Variant type: Duplication.
Coding change: c.3064_3066dup on transcript NM_001374736.1 (MANE Select); coding-DNA positions 3064 to 3066, 3 bases duplicated (TTC; older notation c.3064_3066dupTTC).
Protein change: p.Phe1022dup; duplicates phenylalanine 1022.
Molecular consequence: inframe insertion.
Genome position (GRCh38, 1-based): chr6:56,635,709-56,635,711, GAA duplicated on the plus strand (TTC on the coding strand, the reverse complement: DST is on the minus strand). VCF-style (leftmost placement, unchanged base first): chr6-56635708-T-TGAA. GRCh37 (hg19) VCF-style: chr6-56500506-T-TGAA.
Other names: c.2965_2967dup, p.Phe989dup (NM_001144769.5); c.2551_2553dup, p.Phe851dup (NM_001144770.2); c.3064_3066dup, p.Phe1022dup (NM_001374722.1); c.2431_2433dup, p.Phe811dup (NM_001374729.1, NM_001374730.1, NM_001386100.1 and 1 more transcripts); c.3091_3093dup, p.Phe1031dup (NM_001374734.1); c.1453_1455dup, p.Phe485dup (NM_001723.7, NM_015548.5).
Identifiers: ClinVar variation 965199 (VCV000965199.9), dbSNP rs1269232848, ClinGen allele CA364576812.

ClinVar aggregate classification (germline): Uncertain significance. Review status: criteria provided, multiple submitters, no conflicts (2 of 4 stars). 2 submissions from 2 submitters: Uncertain significance (2). Last evaluated 2021-12-17.

Conditions:
Hereditary sensory and autonomic neuropathy type 6. Also called: Neuropathy, hereditary sensory and autonomic, type VI; HSAN VI. Identifiers: Orphanet 314381, MedGen C3539003, MONDO:0013839, OMIM 614653.
Epidermolysis bullosa simplex 3, localized or generalized intermediate, with BP230 deficiency (EBS3). Also called: Epidermolysis bullosa simplex, autosomal recessive 2; Epidermolysis bullosa simplex due to BP230 deficiency. Identifiers: Orphanet 412181, MedGen C3809470, MONDO:0014180, OMIM 615425.
Inborn genetic diseases. Identifiers: MedGen C0950123, MeSH D030342.

Allele frequency attached by ClinVar (database versions not stated): gnomAD 0.00001; gnomAD exomes 0.00001; TOPMed 0.00001; ESP Exome Variant Server 0.00008.

Submissions (2):

Labcorp Genetics (formerly Invitae), Labcorp
Classification: Uncertain significance for Epidermolysis bullosa simplex 3, localized or generalized intermediate, with BP230 deficiency; Hereditary sensory and autonomic neuropathy type 6. Last evaluated: 2021-12-17. Review status: criteria provided, single submitter. Criteria: Invitae Variant Classification Sherloc (09022015). Collection method: clinical testing. Allele origin: germline.
Comment: In summary, the available evidence is currently insufficient to determine the role of this variant in disease. Therefore, it has been classified as a Variant of Uncertain Significance. Experimental studies and prediction algorithms are not available or were not evaluated, and the functional significance of this variant is currently unknown. ClinVar contains an entry for this variant (Variation ID: 965199). This variant has not been reported in the literature in individuals affected with DST-related conditions. This variant is present in population databases (no rsID available, gnomAD 0.003%). This variant, c.1453_1455dup, results in the insertion of 1 amino acid(s) of the DST protein (p.Phe485dup), but otherwise preserves the integrity of the reading frame.

Ambry Genetics
Classification: Uncertain significance for Inborn genetic diseases. Last evaluated: 2020-03-09. Review status: criteria provided, single submitter. Criteria: Ambry Variant Classification Scheme 2023. Collection method: clinical testing. Allele origin: germline.
Comment: The c.2965_2967dupTTC variant (also known as p.F989dup), located in coding exon 23 of the DST gene, results from an in-frame duplication of TTC at nucleotide positions 2965 to 2967. This results in the duplication of an extra residue between codons 989 and 990. This amino acid position is highly conserved in available vertebrate species. Since supporting evidence is limited at this time, the clinical significance of this alteration remains unclear.